The following is an entry in ClinVar:

NM_001355436.2(SPTB):c.6218C>T (p.Thr2073Met)

Gene: SPTB (spectrin beta, erythrocytic; minus strand). Cytogenetic location: 14q23.3.
Variant type: single nucleotide variant.
Coding change: c.6218C>T on transcript NM_001355436.2 (MANE Select); coding-DNA position 6218, C replaced by T.
Protein change: p.Thr2073Met; replaces threonine 2073 with methionine.
Molecular consequence: missense variant.
Genome position (GRCh38, 1-based): chr14:64,767,664, G>A on the plus strand (C>T on the coding strand, the complement: SPTB is on the minus strand). VCF-style: chr14-64767664-G-A. GRCh37 (hg19) VCF-style: chr14-65234382-G-A.
Other names: c.6218C>T, p.Thr2073Met (NM_001024858.4, NM_001355437.2); short protein forms T2073M.
Identifiers: ClinVar variation 4989629 (VCV004989629.1).

ClinVar aggregate classification (germline): Uncertain significance (1 of 4 stars; one submission).

Conditions:
SPTB-related disorder. Also called: SPTB-Related Disorders; SPTB-related condition.

gnomAD v4.1: 22 of 1,613,854 alleles (0.0014%); highest among the groups gnomAD compares: East Asian, 0.0045%; no homozygotes.

Submission:

PreventionGenetics, part of Exact Sciences
Classification: Uncertain significance for SPTB-related condition. Last evaluated: 2025-01-21. Review status: criteria provided, single submitter. Criteria: ACMG Guidelines, 2015. Collection method: clinical testing. Allele origin: germline.
Comment: The SPTB c.6218C>T variant is predicted to result in the amino acid substitution p.Thr2073Met. To our knowledge, this variant has not been reported in the literature. This variant is reported in 0.012% of alleles in individuals of African descent in gnomAD. At this time, the clinical significance of this variant is uncertain due to the absence of conclusive functional and genetic evidence.